The following is an entry in ClinVar:

NM_007255.2(B4GALT7):c.-413C>A

Gene: B4GALT7 (beta-1,4-galactosyltransferase 7; plus strand). Cytogenetic location: 5q35.3.
Variant type: single nucleotide variant.
Coding change: c.-413C>A on transcript NM_007255.2; 413 bases upstream of the start codon, C replaced by A.
Genome position (GRCh38, 1-based): chr5:177,599,798, C>A. VCF-style: chr5-177599798-C-A. GRCh37 (hg19) VCF-style: chr5-177026799-C-A.
Identifiers: ClinVar variation 672860 (VCV000672860.3), dbSNP rs111484007, ClinGen allele CA132885594.

ClinVar aggregate classification (germline): Likely benign (1 of 4 stars; one submission).

Allele frequency attached by ClinVar (database versions not stated): 1000 Genomes Project 0.00799; 1000 Genomes Project 30x 0.00890; gnomAD 0.00908 and 0.00839; TOPMed 0.00949.

Submission:

GeneDx
Classification: Likely benign. Last evaluated: 2018-06-14. Review status: criteria provided, single submitter. Criteria: GeneDx Variant Classification (06012015). Collection method: clinical testing. Allele origin: germline. Affected: yes.
Comment: This variant is considered likely benign or benign based on one or more of the following criteria: it is a conservative change, it occurs at a poorly conserved position in the protein, it is predicted to be benign by multiple in silico algorithms, and/or has population frequency not consistent with disease.